The following is an entry in ClinVar:

ClinVar aggregate classification (germline): Uncertain significance (1 of 4 stars; one submission).

Submission:

GeneDx
Classification: Uncertain significance. Last evaluated: 2023-03-24. Review status: criteria provided, single submitter. Criteria: GeneDx Variant Classification Process June 2021. Collection method: clinical testing. Allele origin: germline. Affected: yes.
Comment: Not observed at significant frequency in large population cohorts (gnomAD); Has not been previously published as pathogenic or benign to our knowledge

NM_000158.4(GBE1):c.311_313delinsCTG (p.Phe104_Asn105delinsSerAsp)

Gene: GBE1 (1,4-alpha-glucan branching enzyme 1; minus strand). Cytogenetic location: 3p12.2.
Variant type: Indel.
Coding change: c.311_313delinsCTG on transcript NM_000158.4 (MANE Select); coding-DNA positions 311 to 313, TTA replaced by CTG.
Protein change: p.Phe104_Asn105delinsSerAsp.
Molecular consequence: missense variant.
Genome position (GRCh38, 1-based): chr3:81,705,444-81,705,446, TAA replaced by CAG on the plus strand (TTA replaced by CTG on the coding strand, the reverse complement: GBE1 is on the minus strand). VCF-style: chr3-81705444-TAA-CAG. GRCh37 (hg19) VCF-style: chr3-81754595-TAA-CAG.
Identifiers: ClinVar variation 2580637 (VCV002580637.1), dbSNP rs2107168694, ClinGen allele CA2573052246.